The following is an entry in ClinVar:

NC_000005.9:g.(?_149294486)_(149294590_?)del

Gene: PDE6A (phosphodiesterase 6A; minus strand). Cytogenetic location: 5q32.
Variant type: Deletion.
Identifiers: ClinVar variation 2423093 (VCV002423093.3).

ClinVar aggregate classification (germline): Pathogenic (1 of 4 stars; one submission).

Submission:

Labcorp Genetics (formerly Invitae), Labcorp
Classification: Pathogenic. Last evaluated: 2022-10-13. Review status: criteria provided, single submitter. Criteria: Invitae Variant Classification Sherloc (09022015). Collection method: clinical testing. Allele origin: germline.
Comment: This variant is a gross deletion of the genomic region encompassing exon(s) 6 of the PDE6A gene. This deletion is out-of-frame, and is expected to create a premature termination codon and result in an absent or disrupted protein product. Loss-of-function variants in PDE6A are known to be pathogenic (PMID: 7493036, 22128245, 23847139). This variant has not been reported in the literature in individuals affected with PDE6A-related conditions. For these reasons, this variant has been classified as Pathogenic.

Literature cited by the submitters: PubMed 7493036; PubMed 22128245; PubMed 23847139.